The following is an entry in ClinVar:

NM_001111125.3(IQSEC2):c.291C>G (p.Phe97Leu)

Gene: IQSEC2 (IQ motif and Sec7 domain ArfGEF 2; minus strand). Cytogenetic location: Xp11.22.
Variant type: single nucleotide variant.
Coding change: c.291C>G on transcript NM_001111125.3 (MANE Select); coding-DNA position 291, C replaced by G.
Protein change: p.Phe97Leu; replaces phenylalanine 97 with leucine.
Molecular consequence: missense variant.
Genome position (GRCh38, 1-based): chrX:53,320,833, G>C on the plus strand (C>G on the coding strand, the complement: IQSEC2 is on the minus strand). VCF-style: chrX-53320833-G-C. GRCh37 (hg19) VCF-style: chrX-53350031-G-C.
Other names: c.291C>G, p.Phe97Leu (NM_001410736.1); short protein forms F97L.
Identifiers: ClinVar variation 3019870 (VCV003019870.4), dbSNP rs2520599367, ClinGen allele CA413239675.
Genomic context (GRCh38, chrX:53,320,833, plus strand): 5'-CGGGTAGCCCACGTCCCGGGCCGCCTGGTGGAACTGGCTCTCCCGCAGCTCGCGGTGGTG[G>C]AACTGGGTCTCGCGCAGGTTCTGGTACTGGCTCTCGCGGCCCGGGCTATCCCGCGCGCCG-3'
Protein context (NP_001104595.1, residues 87-107): SQYQNLRETQ[Phe97Leu]HHRELRESQF

ClinVar aggregate classification (germline): Uncertain significance. Review status: criteria provided, multiple submitters, no conflicts (2 of 4 stars). 2 submissions from 2 submitters: Uncertain significance (2). Last evaluated 2024-06-11.

Conditions:
Intellectual developmental disorder, X-linked 1. Also called: Atkin Flaitz Patil Smith syndrome; Intellectual disability, X-linked 1; MENTAL RETARDATION, X-LINKED 18; MENTAL RETARDATION, X-LINKED 78. Identifiers: Orphanet 777, MedGen C2931498, MONDO:0010656, OMIM 309530.

Submissions (2):

Blueprint Genetics
Classification: Uncertain significance. Last evaluated: 2024-06-11. Review status: criteria provided, single submitter. Criteria: ACMG Guidelines, 2015. Collection method: clinical testing. Allele origin: germline.

Labcorp Genetics (formerly Invitae), Labcorp
Classification: Uncertain significance for Intellectual developmental disorder, X-linked 1. Last evaluated: 2023-07-19. Review status: criteria provided, single submitter. Criteria: Invitae Variant Classification Sherloc (09022015). Collection method: clinical testing. Allele origin: germline.
Comment: This sequence change replaces phenylalanine, which is neutral and non-polar, with leucine, which is neutral and non-polar, at codon 97 of the IQSEC2 protein (p.Phe97Leu). In summary, the available evidence is currently insufficient to determine the role of this variant in disease. Therefore, it has been classified as a Variant of Uncertain Significance. Advanced modeling of protein sequence and biophysical properties (such as structural, functional, and spatial information, amino acid conservation, physicochemical variation, residue mobility, and thermodynamic stability) performed at Invitae indicates that this missense variant is not expected to disrupt IQSEC2 protein function. This variant has not been reported in the literature in individuals affected with IQSEC2-related conditions. This variant is not present in population databases (gnomAD no frequency).